The following is an entry in ClinVar:

ClinVar aggregate classification (germline): Uncertain significance. Review status: criteria provided, multiple submitters, no conflicts (2 of 4 stars). 3 submissions from 3 submitters: Uncertain significance (3). Last evaluated 2024-05-14.

Conditions:
Inborn genetic diseases. Identifiers: MedGen C0950123, MeSH D030342.
Juberg-Hayward syndrome (JHS). Also called: OROCRANIODIGITAL SYNDROME; Cleft lip/palate with abnormal thumbs and microcephaly. Identifiers: Orphanet 2319, MedGen C0796099, MONDO:0008992, OMIM 216100.
Roberts-SC phocomelia syndrome (RBS). Also called: LONG BONE DEFICIENCIES ASSOCIATED WITH CLEFT LIP-PALATE; ESCO2 Spectrum Disorder; Hypomelia hypotrichosis facial hemangioma syndrome; Pseudothalidomide syndrome; Appelt-Gerken-Lenz syndrome. Identifiers: Orphanet 3103, MedGen C0392475, MONDO:0100253, OMIM 268300.

Allele frequency attached by ClinVar (database versions not stated): gnomAD exomes 0.00003; ExAC 0.00012; 1000 Genomes Project 0.00020; ESP Exome Variant Server 0.00023; TOPMed 0.00025; gnomAD 0.00027; 1000 Genomes Project 30x 0.00031.

Submissions (3):

Fulgent Genetics
Classification: Uncertain significance for Juberg-Hayward syndrome; Roberts-SC phocomelia syndrome. Last evaluated: 2024-05-14. Review status: criteria provided, single submitter. Criteria: ACMG Guidelines, 2015. Collection method: clinical testing. Allele origin: germline.

Labcorp Genetics (formerly Invitae), Labcorp
Classification: Uncertain significance. Last evaluated: 2022-10-29. Review status: criteria provided, single submitter. Criteria: Invitae Variant Classification Sherloc (09022015). Collection method: clinical testing. Allele origin: germline.
Comment: This sequence change replaces aspartic acid, which is acidic and polar, with glycine, which is neutral and non-polar, at codon 17 of the ESCO2 protein (p.Asp17Gly). This variant is present in population databases (rs141013081, gnomAD 0.1%). This variant has not been reported in the literature in individuals affected with ESCO2-related conditions. Algorithms developed to predict the effect of missense changes on protein structure and function output the following: SIFT: "Deleterious"; PolyPhen-2: "Probably Damaging"; Align-GVGD: "Class C0". The glycine amino acid residue is found in multiple mammalian species, which suggests that this missense change does not adversely affect protein function. In summary, the available evidence is currently insufficient to determine the role of this variant in disease. Therefore, it has been classified as a Variant of Uncertain Significance.

Ambry Genetics
Classification: Uncertain significance for Inborn genetic diseases. Last evaluated: 2021-06-09. Review status: criteria provided, single submitter. Criteria: Ambry Variant Classification Scheme 2023. Collection method: clinical testing. Allele origin: germline.

NM_001017420.3(ESCO2):c.50A>G (p.Asp17Gly)

Gene: ESCO2 (establishment of sister chromatid cohesion N-acetyltransferase 2; plus strand). Cytogenetic location: 8p21.1.
Variant type: single nucleotide variant.
Coding change: c.50A>G on transcript NM_001017420.3 (MANE Select); coding-DNA position 50, A replaced by G.
Protein change: p.Asp17Gly; replaces aspartic acid 17 with glycine.
Molecular consequence: missense variant.
Genome position (GRCh38, 1-based): chr8:27,775,564, A>G. VCF-style: chr8-27775564-A-G. GRCh37 (hg19) VCF-style: chr8-27633081-A-G.
Other names: short protein forms D17G.
Identifiers: ClinVar variation 2065639 (VCV002065639.3), dbSNP rs141013081, ClinGen allele CA4691981.